The following is an entry in ClinVar:

NM_001034853.2(RPGR):c.3212_3218del (p.Glu1071fs)

Gene: RPGR (retinitis pigmentosa GTPase regulator; minus strand). Cytogenetic location: Xp11.4.
Variant type: Deletion.
Coding change: c.3212_3218del on transcript NM_001034853.2 (MANE Select); coding-DNA positions 3212 to 3218, 7 bases deleted (AGACAGG; older notation c.3212_3218delAGACAGG).
Protein change: p.Glu1071fs; shifts the reading frame from glutamic acid 1071.
Molecular consequence: frameshift variant. On other transcripts: intron variant (8).
Genome position (GRCh38, 1-based): chrX:38,285,781-38,285,787, CCTGTCT deleted on the plus strand (AGACAGG on the coding strand, the reverse complement: RPGR is on the minus strand); deleting any 7 consecutive bases within chrX:38,285,781-38,285,791 gives the same sequence; the c. name uses the placement nearest the transcript's 3' end. VCF-style (leftmost placement, unchanged base first): chrX-38285780-GCCTGTCT-G. GRCh37 (hg19) VCF-style: chrX-38145033-GCCTGTCT-G.
Other names: NM_001034853.2(RPGR):c.3212_3218del; p.Glu1071fs; c.1569+5172_1569+5178del (NM_001367249.1, NM_001367250.1); c.1902+1307_1902+1313del (NM_001367245.1); c.1386+5172_1386+5178del (NM_001367251.1); c.1719+1307_1719+1313del (NM_001367246.1); c.1572+5172_1572+5178del (NM_001367247.1); c.1905+1307_1905+1313del (NM_000328.3); and 1 more; short protein forms E1071fs.
Identifiers: ClinVar variation 1284488 (VCV001284488.5), dbSNP rs2147190470, ClinGen allele CA2499226682.

ClinVar aggregate classification (germline): Pathogenic. Review status: reviewed by expert panel (3 of 4 stars). 3 submissions from 3 submitters: Pathogenic (1). 2 of the submissions do not count toward it. Last evaluated 2025-09-07.

Conditions:
RPGR-related retinopathy. Also called: RPGR retinopathy. Identifiers: MedGen CN305589, MONDO:0100437.

Submissions (3):

ClinGen X-linked Inherited Retinal Disease Variant Curation Expert Panel, ClinGen
Classification: Pathogenic for RPGR-related retinopathy. Last evaluated: 2025-09-07. Review status: reviewed by expert panel. Criteria: ClinGen X LinkedIRD ACMG Specifications RPGR V1.0.0. Collection method: curation. Allele origin: germline. Inheritance: X-linked inheritance.
Comment: NM_001034853.2(RPGR):c.3212_3218del (p.Glu1071AlafsTer16) is a frameshift variant due to deletion of 7 nucleotides and introduces a premature stop codon after 16 amino acids in exon 15 of 15 that is predicted to disrupt a critical C-terminal region required for proper glutamylation of RPGR (PVS1, PMID: 36445968). This variant is absent from gnomAD v4.1.0 (PM2_Supporting). At least one proband harboring this variant exhibits a phenotype including a diagnosis of cone-rod dystrophy with onset at age 48 years, electroretinogram showing cone involvement greater than rod (1 pt), bull’s eye appearance of the macula (1 pt), loss of visual acuity (0.5 pts), moderate myopia (0.5 pts), optic disc pallor (0.5 pts), and visual field constriction (0.5 pts), which together are specific for RPGR-related retinopathy (PMID: 32012938, 4 points, PP4). In summary, this variant is classified as pathogenic for RPGR-related retinopathy based on the ClinGen X-linked Inherited Retinal Disease Expert Panel Specifications to the ACMG/AMP Variant Interpretation Guidelines for RPGR Version 1.0.0; PVS1, PM2_Supporting, and PP4.

Clinical Genetics, Academic Medical Center
Classification: Pathogenic. Review status: no assertion criteria provided. Collection method: clinical testing. Allele origin: germline. Affected: yes. Study: VKGL Data-share Consensus. Not counted in ClinVar's aggregate classification.

Joint Genome Diagnostic Labs from Nijmegen and Maastricht, Radboudumc and MUMC+
Classification: Likely pathogenic. Review status: no assertion criteria provided. Collection method: clinical testing. Allele origin: germline. Affected: yes. Study: VKGL Data-share Consensus. Not counted in ClinVar's aggregate classification.